The following is an entry in ClinVar:

NM_018136.5(ASPM):c.5590_5591del (p.Leu1864fs)

Gene: ASPM (assembly factor for spindle microtubules; minus strand). Cytogenetic location: 1q31.3.
Variant type: Microsatellite.
Coding change: c.5590_5591del on transcript NM_018136.5 (MANE Select); coding-DNA positions 5590 to 5591, 2 bases deleted (CT; older notation c.5590_5591delCT).
Protein change: p.Leu1864fs; shifts the reading frame from leucine 1864.
Molecular consequence: frameshift variant. On other transcripts: intron variant (1).
Genome position (GRCh38, 1-based): chr1:197,103,660-197,103,661, AG deleted on the plus strand (CT on the coding strand, the reverse complement: ASPM is on the minus strand); deleting any 2 consecutive bases within chr1:197,103,660-197,103,663 gives the same sequence; the c. name uses the placement nearest the transcript's 3' end. VCF-style (leftmost placement, unchanged base first): chr1-197103659-AAG-A. GRCh37 (hg19) VCF-style: chr1-197072789-AAG-A.
Other names: c.4066-7497_4066-7496del (NM_001206846.2); short protein forms L1864fs.
Identifiers: ClinVar variation 694010 (VCV000694010.4), dbSNP rs1571601267, ClinGen allele CA915941939.
Genomic context (GRCh38, chr1:197,103,659, plus strand): 5'-AGCAGACTGGAGGGAAATCACAGCTGCCTTTGTCTTCAAAAAATGTGTTCTTGTATCATG[AAG>A]AGTCTTGTACGCCCTGTACCATCTCTGAATCTTTATTATAGATTGAAGCACAGATTGATA-3'

ClinVar aggregate classification (germline): Pathogenic/Likely pathogenic. Review status: criteria provided, multiple submitters, no conflicts (2 of 4 stars). 3 submissions from 3 submitters: Pathogenic (2); Likely pathogenic (1). Last evaluated 2024-09-03.

Conditions:
Microcephaly 5, primary, autosomal recessive (MCPH5). Also called: ASPM Primary Microcephaly. Identifiers: Orphanet 2512, MedGen C1837501, MONDO:0012106, OMIM 608716.

Submissions (3):

GeneDx
Classification: Likely pathogenic. Last evaluated: 2024-09-03. Review status: criteria provided, single submitter. Criteria: GeneDx Variant Classification Process June 2021. Collection method: clinical testing. Allele origin: germline. Affected: yes.
Comment: Reported in a patient with gyral simplification who harbored a second ASPM variant in unknown phase (PMID: 29243349); Frameshift variant predicted to result in protein truncation or nonsense mediated decay in a gene for which loss of function is a known mechanism of disease; Not observed at significant frequency in large population cohorts (gnomAD); This variant is associated with the following publications: (PMID: 31696992, 34402213, 29243349)

Genomic Medicine Center of Excellence, King Faisal Specialist Hospital and Research Centre
Classification: Pathogenic for Microcephaly 5, primary, autosomal recessive. Last evaluated: 2024-03-26. Review status: criteria provided, single submitter. Criteria: ACMG Guidelines, 2015. Collection method: clinical testing. Allele origin: germline.

Child Neurology Department, Hôpital Universitaire de Bruxelles
Classification: Pathogenic for Microcephaly 5, primary, autosomal recessive. Review status: criteria provided, single submitter. Criteria: ACMG Guidelines, 2015. Collection method: clinical testing. Allele origin: maternal. Affected: yes.

Literature cited by the submitters: PubMed 29243349 (cited by Child Neurology Department, Hôpital Universitaire de Bruxelles).